The following is an entry in ClinVar:

ClinVar aggregate classification (germline): Uncertain significance (1 of 4 stars; one submission).

Conditions:
Inborn genetic diseases. Identifiers: MedGen C0950123, MeSH D030342.

Allele frequency attached by ClinVar (database versions not stated): gnomAD exomes below 0.00001.
gnomAD v4.1: 1 of 1,613,426 alleles (0.000062%); highest among the groups gnomAD compares: Non-Finnish European, 0.000085%; no homozygotes.

Submission:

Ambry Genetics
Classification: Uncertain significance for Inborn genetic diseases. Last evaluated: 2023-11-15. Review status: criteria provided, single submitter. Criteria: Ambry Variant Classification Scheme 2023. Collection method: clinical testing. Allele origin: germline.
Comment: The p.H2559R variant (also known as c.7676A>G), located in coding exon 46 of the ATR gene, results from an A to G substitution at nucleotide position 7676. The histidine at codon 2559 is replaced by arginine, an amino acid with highly similar properties. This amino acid position is conserved. In addition, this alteration is predicted to be deleterious by in silico analysis. Since supporting evidence is limited at this time, the clinical significance of this alteration remains unclear.

NM_001184.4(ATR):c.7676A>G (p.His2559Arg)

Gene: ATR (ATR checkpoint kinase; minus strand). Cytogenetic location: 3q23.
Variant type: single nucleotide variant.
Coding change: c.7676A>G on transcript NM_001184.4 (MANE Select); coding-DNA position 7676, A replaced by G.
Protein change: p.His2559Arg; replaces histidine 2559 with arginine.
Molecular consequence: missense variant.
Genome position (GRCh38, 1-based): chr3:142,453,213, T>C on the plus strand (A>G on the coding strand, the complement: ATR is on the minus strand). VCF-style: chr3-142453213-T-C. GRCh37 (hg19) VCF-style: chr3-142172055-T-C.
Other names: c.7484A>G, p.His2495Arg (NM_001354579.2); short protein forms H2495R, H2559R.
Identifiers: ClinVar variation 3221294 (VCV003221294.1), dbSNP rs1206972227, ClinGen allele CA354794202.